The following is an entry in ClinVar:

NM_001267550.2(TTN):c.68064CAA[1] (p.Asn22689del)

Genes: TTN (titin; minus strand), TTN-AS1 (TTN antisense RNA 1; plus strand), LOC126806423 (CDK7 strongly-dependent group 2 enhancer GRCh37_chr2:179443309-179444508; plus strand). Cytogenetic location: 2q31.2.
Variant type: Microsatellite.
Coding change: c.68064CAA[1] on transcript NM_001267550.2 (MANE Select); one copy of the 3-base unit CAA starting at c.68064; the reference has two copies in a row; one copy, 3 bases deleted.
Protein change: p.Asn22689del; deletes asparagine 22689.
Molecular consequence: inframe deletion.
Genome position (GRCh38, 1-based): chr2:178,578,961-178,578,963, TTG deleted on the plus strand (CAA on the coding strand, the reverse complement: TTN is on the minus strand); deleting any 3 consecutive bases within chr2:178,578,961-178,578,968 gives the same sequence; the position shown is the placement nearest the transcript's 3' end. VCF-style (leftmost placement, unchanged base first): chr2-178578960-CTTG-C. GRCh37 (hg19) VCF-style: chr2-179443687-CTTG-C.
Other names: c.63141CAA[1], p.Asn21048del (NM_001256850.1); c.40869CAA[1], p.Asn13624del (NM_003319.4); c.60360CAA[1], p.Asn20121del (NM_133378.4); c.41244CAA[1], p.Asn13749del (NM_133432.3); c.41445CAA[1], p.Asn13816del (NM_133437.4); c.40872_40874delCAA (NM_003319.4); c.60363_60365del (NM_133378.4); short protein forms N22689del, N13624del, N13749del, N20121del, N13816del, N21048del.
Identifiers: ClinVar variation 1737668 (VCV001737668.4), dbSNP rs774303656, ClinGen allele CA1991191.

ClinVar aggregate classification (germline): Uncertain significance. Review status: criteria provided, multiple submitters, no conflicts (2 of 4 stars). 2 submissions from 2 submitters: Uncertain significance (2). Last evaluated 2025-06-19.

Conditions:
Cardiovascular phenotype. Identifiers: MedGen CN230736.

Submissions (2):

Revvity Omics, Revvity
Classification: Uncertain significance. Last evaluated: 2025-06-19. Review status: criteria provided, single submitter. Criteria: ACMG Guidelines, 2015. Collection method: clinical testing. Allele origin: germline.

Ambry Genetics
Classification: Uncertain significance for Cardiovascular phenotype. Last evaluated: 2025-05-15. Review status: criteria provided, single submitter. Criteria: Ambry Variant Classification Scheme 2023. Collection method: clinical testing. Allele origin: germline.
Comment: The c.40872_40874delCAA variant (also known as p.N13624del) is located in coding exon 147 of the TTN gene. This variant results from an in-frame CAA deletion at nucleotide positions 40872 to 40874. This results in the in-frame deletion of an asparagine at codon 13624. This amino acid position is highly conserved in available vertebrate species. In addition, this variant is predicted to be deleterious by in silico analysis (Choi Y et al. PLoS ONE. 2012; 7(10):e46688). Since supporting evidence is limited at this time, the clinical significance of this alteration remains unclear.